The following is an entry in ClinVar:

NM_000053.4(ATP7B):c.4112_4114del (p.Leu1371del)

Gene: ATP7B (ATPase copper transporting beta; minus strand). Cytogenetic location: 13q14.3.
Variant type: Deletion.
Coding change: c.4112_4114del on transcript NM_000053.4 (MANE Select); coding-DNA positions 4112 to 4114, 3 bases deleted (TGC; older notation c.4112_4114delTGC).
Protein change: p.Leu1371del; deletes leucine 1371.
Genome position (GRCh38, 1-based): chr13:51,935,603-51,935,605, GCA deleted on the plus strand (TGC on the coding strand, the reverse complement: ATP7B is on the minus strand); deleting any 3 consecutive bases within chr13:51,935,603-51,935,606 gives the same sequence; the c. name uses the placement nearest the transcript's 3' end. VCF-style (leftmost placement, unchanged base first): chr13-51935602-TGCA-T. GRCh37 (hg19) VCF-style: chr13-52509738-TGCA-T.
Other names: c.3935_3937del, p.Leu1312del (NM_001406524.1); c.3917_3919del, p.Leu1306del (NM_001406525.1); c.3908_3910del, p.Leu1303del (NM_001406526.1); c.3878_3880del, p.Leu1293del (NM_001406527.1, NM_001406528.1, NM_001330578.2); c.3872_3874del, p.Leu1291del (NM_001406530.1); c.3860_3862del, p.Leu1287del (NM_001406531.1, NM_001406532.1, NM_001330579.2); c.3491_3493del, p.Leu1164del (NM_001005918.3); c.3779_3781del, p.Leu1260del (NM_001243182.2); and 21 more; short protein forms L1090del, L1144del, L1155del, L1164del, L1177del, L1207del, L1209del, L1222del.
Identifiers: ClinVar variation 3893203 (VCV003893203.1).

ClinVar aggregate classification (germline): Uncertain significance (1 of 4 stars; one submission).

Conditions:
Wilson disease (WND). Also called: Wilson's disease. Identifiers: Orphanet 905, MedGen C0019202, MONDO:0010200, OMIM 277900. Disease mechanism: loss of function.

Submission:

Dr. Moinak Lab, Sanjay Gandhi Postgraduate Institute of Medical Sciences
Classification: Uncertain significance for Wilson disease. Last evaluated: 2024-09-22. Review status: criteria provided, single submitter. Criteria: ACMG Guidelines, 2015. Collection method: clinical testing. Allele origin: germline. Inheritance: Autosomal recessive inheritance. Affected: yes. Observed: 1 compound heterozygote.
Comment: ATP7B:c.4112_4114del is a novel variant involving the deletion of three nucleotides in exon 20 of the ATP7B gene, resulting in the in-frame deletion of one amino acid Leucine — at codon 1371 in the protein sequence

Literature cited by the submitters: PubMed 23518715; PubMed 36096368.